The following is an entry in ClinVar:

Conditions:
Long QT syndrome 5 (LQT5). Identifiers: Orphanet 101016, Orphanet 768, MedGen C1867904, MONDO:0013372, OMIM 613695.

Submission:

Roden Lab, Vanderbilt University Medical Center
No classification provided (evidence only). Condition: Long QT syndrome 5. Review status: no classification provided. Collection method: in vitro. Allele origin: not applicable. Functional consequence: Effect on ion channel function.
ClinVar note: "not provided" was previously submitted as the classification for the variant. However, the classification appeared to be based only on an observation of functional data so it was converted to no classification on 2025-07-30.

NM_000219.6(KCNE1):c.12T>G (p.Ser4=)

Gene: KCNE1 (potassium voltage-gated channel subfamily E regulatory subunit 1; minus strand). Cytogenetic location: 21q22.12.
Variant type: single nucleotide variant.
Coding change: c.12T>G on transcript NM_000219.6 (MANE Select); coding-DNA position 12, T replaced by G.
Protein change: p.Ser4=; no amino-acid change (serine 4 retained).
Molecular consequence: synonymous variant.
Genome position (GRCh38, 1-based): chr21:34,449,623, A>C on the plus strand (T>G on the coding strand, the complement: KCNE1 is on the minus strand). VCF-style: chr21-34449623-A-C. GRCh37 (hg19) VCF-style: chr21-35821921-A-C.
Other names: c.12T>G, p.Ser4= (NM_001127668.4, NM_001127669.4, NM_001127670.4 and 4 more transcripts).
Identifiers: ClinVar variation 3374107 (VCV003374107.2).